The following is an entry in ClinVar:

ClinVar aggregate classification (germline): Conflicting classifications of pathogenicity. Review status: criteria provided, conflicting classifications (1 of 4 stars). 5 submissions from 5 submitters: Uncertain significance (1); Likely benign (4). Last evaluated 2026-02-11.

Conditions:
LIPA-related disorder. Also called: LIPA-related condition; LIPA-related disorders.
Wolman disease (WOLD). Also called: Wolman disease, CESD; Acid cholesteryl ester hydrolase deficiency, Wolman type; Acid lipase disease; Wolman disease with hypolipoproteinemia and acanthocytosis; LYSOSOMAL ACID LIPASE DEFICIENCY, ACUTE INFANTILE; LYSOSOMAL ACID LIPASE DEFICIENCY, COMPLETE. Identifiers: Orphanet 75233, MedGen C0043208, MONDO:0019148, OMIM 620151.
Lysosomal acid lipase deficiency. Also called: Acid cholesteryl ester hydrolase deficiency, type 2. Identifiers: Orphanet 275761, MedGen C5574740, MONDO:0800449, MONDO:0010204.
Cardiovascular phenotype. Identifiers: MedGen CN230736.

Allele frequency attached by ClinVar (database versions not stated): gnomAD exomes below 0.00001.
gnomAD v4.1: 2 of 1,607,846 alleles (0.00012%); highest among the groups gnomAD compares: Non-Finnish European, 0.000085%; no homozygotes.

Submissions (5):

PreventionGenetics, part of Exact Sciences
Classification: Likely benign for LIPA-related condition. Last evaluated: 2026-02-11. Review status: criteria provided, single submitter. Criteria: ACMG Guidelines, 2015. Collection method: clinical testing. Allele origin: germline.
Comment: This variant is classified as likely benign based on ACMG/AMP sequence variant interpretation guidelines (Richards et al. 2015 PMID: 25741868, with internal and published modifications).

Labcorp Genetics (formerly Invitae), Labcorp
Classification: Likely benign for Wolman disease. Last evaluated: 2025-02-13. Review status: criteria provided, single submitter. Criteria: Invitae Variant Classification Sherloc (09022015). Collection method: clinical testing. Allele origin: germline.

GENinCode PLC
Classification: Likely benign for Lysosomal acid lipase deficiency. Last evaluated: 2023-04-03. Review status: criteria provided, single submitter. Criteria: ACMG Guidelines, 2015. Collection method: clinical testing. Allele origin: germline.
Comment: This is a synonymous (silent) variant that is not predicted by SpliceAI to impact splicing. In addition, it occurs at a nucleotide that is not conserved. Therefore this variant has been classified as Likely Benign (BP4, BP7).

Ambry Genetics
Classification: Likely benign for Cardiovascular phenotype. Last evaluated: 2020-09-29. Review status: criteria provided, single submitter. Criteria: Ambry Variant Classification Scheme 2023. Collection method: clinical testing. Allele origin: germline.

Eurofins Ntd Llc (ga)
Classification: Uncertain significance. Last evaluated: 2016-07-14. Review status: criteria provided, single submitter. Criteria: EGL Classification Definitions 2015. Collection method: clinical testing. Allele origin: germline. Observed: 1 variant allele, 1 heterozygote.

NM_000235.4(LIPA):c.885C>T (p.His295=)

Gene: LIPA (lipase A, lysosomal acid type; minus strand). Cytogenetic location: 10q23.31.
Variant type: single nucleotide variant.
Coding change: c.885C>T on transcript NM_000235.4 (MANE Select); coding-DNA position 885, C replaced by T.
Protein change: p.His295=; no amino-acid change (histidine 295 retained).
Molecular consequence: synonymous variant.
Genome position (GRCh38, 1-based): chr10:89,222,520, G>A on the plus strand (C>T on the coding strand, the complement: LIPA is on the minus strand). VCF-style: chr10-89222520-G-A. GRCh37 (hg19) VCF-style: chr10-90982277-G-A.
Other names: c.885C>T, p.His295= (NM_001127605.3); c.537C>T, p.His179= (NM_001288979.2); c.885C>T (NM_000235.3).
Identifiers: ClinVar variation 289532 (VCV000289532.22), dbSNP rs886044197, ClinGen allele CA10606471.